The following is an entry in ClinVar:

NM_212482.4(FN1):c.1502A>T (p.Asn501Ile)

Gene: FN1 (fibronectin 1; minus strand). Cytogenetic location: 2q35.
Variant type: single nucleotide variant.
Coding change: c.1502A>T on transcript NM_212482.4 (MANE Select); coding-DNA position 1502, A replaced by T.
Protein change: p.Asn501Ile; replaces asparagine 501 with isoleucine.
Molecular consequence: missense variant.
Genome position (GRCh38, 1-based): chr2:215,422,135, T>A on the plus strand (A>T on the coding strand, the complement: FN1 is on the minus strand). VCF-style: chr2-215422135-T-A. GRCh37 (hg19) VCF-style: chr2-216286858-T-A.
Other names: c.1502A>T, p.Asn501Ile (NM_001306129.2, NM_001306130.2, NM_001306131.2 and 14 more transcripts); short protein forms N501I.
Identifiers: ClinVar variation 4733524 (VCV004733524.1).

ClinVar aggregate classification (germline): Uncertain significance (1 of 4 stars; one submission).

Submission:

Labcorp Genetics (formerly Invitae), Labcorp
Classification: Uncertain significance. Last evaluated: 2025-12-17. Review status: criteria provided, single submitter. Criteria: Invitae Variant Classification Sherloc (09022015). Collection method: clinical testing. Allele origin: germline.
Comment: This sequence change replaces asparagine, which is neutral and polar, with isoleucine, which is neutral and non-polar, at codon 501 of the FN1 protein (p.Asn501Ile). This variant is present in population databases (rs754762675, gnomAD 0.002%). This variant has not been reported in the literature in individuals affected with FN1-related conditions. An algorithm developed to predict the effect of missense changes on protein structure and function (PolyPhen-2) suggests that this variant is likely to be disruptive. In summary, the available evidence is currently insufficient to determine the role of this variant in disease. Therefore, it has been classified as a Variant of Uncertain Significance.